The following is an entry in ClinVar:

NM_000051.4(ATM):c.3148C>G (p.Leu1050Val)

Gene: ATM (ATM serine/threonine kinase; plus strand). Cytogenetic location: 11q22.3.
Variant type: single nucleotide variant.
Coding change: c.3148C>G on transcript NM_000051.4 (MANE Select); coding-DNA position 3148, C replaced by G.
Protein change: p.Leu1050Val; replaces leucine 1050 with valine.
Molecular consequence: missense variant.
Genome position (GRCh38, 1-based): chr11:108,272,602, C>G. VCF-style: chr11-108272602-C-G. GRCh37 (hg19) VCF-style: chr11-108143329-C-G.
Other names: c.3148C>G, p.Leu1050Val (NM_001351834.2); short protein forms L1050V.
Identifiers: ClinVar variation 3325639 (VCV003325639.1).
Genomic context (GRCh38, chr11:108,272,602, plus strand): 5'-AAGGAGAGGAAATATATATTCTCTGTAAGAATGGCCCTAGTAAATTGCCTTAAAACTTTG[C>G]TTGAGGTGAGTTTTTGCATTTTTTTAGTAAGATCTCCATTGAAAATTTTAAAGCAGTCTT-3'
Protein context (NP_000042.3, residues 1040-1060): MALVNCLKTL[Leu1050Val]EADPYSKWAI

ClinVar aggregate classification (germline): Uncertain significance (1 of 4 stars; one submission).

Conditions:
Hereditary cancer-predisposing syndrome. Also called: Neoplastic Syndromes, Hereditary; Tumor predisposition; Hereditary neoplastic syndrome; Hereditary Cancer Syndrome. Identifiers: Orphanet 140162, MedGen C0027672, MeSH D009386, MONDO:0015356.

Submission:

Ambry Genetics
Classification: Uncertain significance for Hereditary cancer-predisposing syndrome. Last evaluated: 2024-04-22. Review status: criteria provided, single submitter. Criteria: Ambry Variant Classification Scheme 2023. Collection method: clinical testing. Allele origin: germline.
Comment: The p.L1050V variant (also known as c.3148C>G), located in coding exon 20 of the ATM gene, results from a C to G substitution at nucleotide position 3148. The leucine at codon 1050 is replaced by valine, an amino acid with highly similar properties. This amino acid position is conserved. In addition, this alteration is predicted to be deleterious by in silico analysis. Based on the available evidence, the clinical significance of this variant remains unclear.